The following is an entry in ClinVar:

ClinVar aggregate classification (germline): Uncertain significance (1 of 4 stars; one submission).

Conditions:
Hypertrophic cardiomyopathy. Also called: HYPERTROPHIC MYOCARDIOPATHY. Identifiers: Orphanet 217569, MedGen C0007194, MeSH D002312, MONDO:0005045, HP:0001639.

Submission:

Labcorp Genetics (formerly Invitae), Labcorp
Classification: Uncertain significance for Hypertrophic cardiomyopathy. Last evaluated: 2019-10-27. Review status: criteria provided, single submitter. Criteria: Invitae Variant Classification Sherloc (09022015). Collection method: clinical testing. Allele origin: germline.
Comment: This sequence change replaces methionine with arginine at codon 165 of the MYH7 protein (p.Met165Arg). The methionine residue is highly conserved and there is a moderate physicochemical difference between methionine and arginine. This variant is not present in population databases (ExAC no frequency). This variant has not been reported in the literature in individuals with MYH7-related conditions. Algorithms developed to predict the effect of missense changes on protein structure and function are either unavailable or do not agree on the potential impact of this missense change (SIFT: "Deleterious"; PolyPhen-2: "Possibly Damaging"; Align-GVGD: "Class C0"). In summary, the available evidence is currently insufficient to determine the role of this variant in disease. Therefore, it has been classified as a Variant of Uncertain Significance.

NM_000257.4(MYH7):c.494T>G (p.Met165Arg)

Gene: MYH7 (myosin heavy chain 7; minus strand). Cytogenetic location: 14q11.2.
Variant type: single nucleotide variant.
Coding change: c.494T>G on transcript NM_000257.4 (MANE Select); coding-DNA position 494, T replaced by G.
Protein change: p.Met165Arg; replaces methionine 165 with arginine.
Molecular consequence: missense variant.
Genome position (GRCh38, 1-based): chr14:23,432,647, A>C on the plus strand (T>G on the coding strand, the complement: MYH7 is on the minus strand). VCF-style: chr14-23432647-A-C. GRCh37 (hg19) VCF-style: chr14-23901856-A-C.
Other names: short protein forms M165R.
Identifiers: ClinVar variation 957716 (VCV000957716.9), dbSNP rs730880920, ClinGen allele CA389052700.